The following is an entry in ClinVar:

ClinVar aggregate classification (germline): Uncertain significance (1 of 4 stars; one submission).

Allele frequency attached by ClinVar (database versions not stated): TOPMed 0.00002.
gnomAD v4.1: 37 of 1,550,792 alleles (0.0024%); highest among the groups gnomAD compares: Non-Finnish European, 0.0032%; no homozygotes.

Submission:

GeneDx
Classification: Uncertain significance. Last evaluated: 2022-06-15. Review status: criteria provided, single submitter. Criteria: GeneDx Variant Classification Process June 2021. Collection method: clinical testing. Allele origin: germline. Affected: yes.
Comment: Not observed at significant frequency in large population cohorts (gnomAD); In silico analysis supports that this missense variant does not alter protein structure/function; Has not been previously published as pathogenic or benign to our knowledge

NM_182476.3(COQ6):c.5C>A (p.Ala2Glu)

Gene: COQ6 (coenzyme Q6, monooxygenase; plus strand). Cytogenetic location: 14q24.3.
Variant type: single nucleotide variant.
Coding change: c.5C>A on transcript NM_182476.3 (MANE Select); coding-DNA position 5, C replaced by A.
Protein change: p.Ala2Glu; replaces alanine 2 with glutamic acid.
Molecular consequence: missense variant. On other transcripts: 5 prime UTR variant (5), intron variant (4).
Genome position (GRCh38, 1-based): chr14:73,950,337, C>A. VCF-style: chr14-73950337-C-A. GRCh37 (hg19) VCF-style: chr14-74417040-C-A.
Other names: c.5C>A, p.Ala2Glu (NM_001425255.1, NM_001425256.1, NM_001425262.1); c.-102C>A (NM_001425257.1); c.-264C>A (NM_001425260.1); c.-425C>A (NM_001425263.1); c.-346C>A (NM_001425264.1); c.-405C>A (NM_001425265.1); c.88+157C>A (NM_001425258.1, NM_182480.3); c.-4+157C>A (NM_001425259.1, NM_001425261.1); short protein forms A2E.
Identifiers: ClinVar variation 1804270 (VCV001804270.1), dbSNP rs1306863995, ClinGen allele CA390372839.